The following is an entry in ClinVar:

NM_001001331.4(ATP2B2):c.2115C>T (p.Ile705=)

Gene: ATP2B2 (ATPase plasma membrane Ca2+ transporting 2; minus strand). Cytogenetic location: 3p25.3.
Variant type: single nucleotide variant.
Coding change: c.2115C>T on transcript NM_001001331.4 (MANE Select); coding-DNA position 2115, C replaced by T.
Protein change: p.Ile705=; no amino-acid change (isoleucine 705 retained).
Molecular consequence: synonymous variant.
Genome position (GRCh38, 1-based): chr3:10,358,712, G>A on the plus strand (C>T on the coding strand, the complement: ATP2B2 is on the minus strand). VCF-style: chr3-10358712-G-A. GRCh37 (hg19) VCF-style: chr3-10400396-G-A.
Other names: c.1980C>T (NM_001683.3); c.1980C>T, p.Ile660= (NM_001330611.3, NM_001353564.1, NM_001363862.1 and 1 more transcripts).
Identifiers: ClinVar variation 2078902 (VCV002078902.6), dbSNP rs144982689, ClinGen allele CA2253500.

ClinVar aggregate classification (germline): Benign. Review status: criteria provided, single submitter (1 of 4 stars). 2 submissions from 2 submitters: Benign (1). 1 of the submissions does not count toward it. Last evaluated 2025-06-22.

Conditions:
ATP2B2-related disorder. Also called: ATP2B2-related condition.

Allele frequency attached by ClinVar (database versions not stated): gnomAD exomes 0.00004; ExAC 0.00012; 1000 Genomes Project 30x 0.00016; 1000 Genomes Project 0.00020; ESP Exome Variant Server 0.00023; gnomAD 0.00032; TOPMed 0.00041.
gnomAD v4.1: 111 of 1,614,178 alleles (0.0069%); highest among the groups gnomAD compares: African/African-American, 0.12%; no homozygotes.

Submissions (2):

Labcorp Genetics (formerly Invitae), Labcorp
Classification: Benign. Last evaluated: 2025-06-22. Review status: criteria provided, single submitter. Criteria: Invitae Variant Classification Sherloc (09022015). Collection method: clinical testing. Allele origin: germline.

PreventionGenetics, part of Exact Sciences
Classification: Likely benign for ATP2B2-related condition. Last evaluated: 2019-12-26. Review status: no assertion criteria provided. Collection method: clinical testing. Allele origin: germline. Not counted in ClinVar's aggregate classification.
Comment: This variant is classified as likely benign based on ACMG/AMP sequence variant interpretation guidelines (Richards et al. 2015 PMID: 25741868, with internal and published modifications).